The following is an entry in ClinVar:

ClinVar aggregate classification (germline): Uncertain significance (1 of 4 stars; one submission).

gnomAD v4.1: 1 of 1,614,136 alleles (0.000062%); highest among the groups gnomAD compares: South Asian, 0.0011%; no homozygotes.

Submission:

Greenwood Genetic Center Diagnostic Laboratories, Greenwood Genetic Center
Classification: Uncertain significance. Last evaluated: 2024-05-02. Review status: criteria provided, single submitter. Criteria: ACMG Guidelines, 2015. Collection method: clinical testing. Allele origin: germline. Affected: yes.
Comment: PM2, PP2

NM_001130438.3(SPTAN1):c.3034C>T (p.Arg1012Cys)

Gene: SPTAN1 (spectrin alpha, non-erythrocytic 1; plus strand). Cytogenetic location: 9q34.11.
Variant type: single nucleotide variant.
Coding change: c.3034C>T on transcript NM_001130438.3 (MANE Select); coding-DNA position 3034, C replaced by T.
Protein change: p.Arg1012Cys; replaces arginine 1012 with cysteine.
Molecular consequence: missense variant.
Genome position (GRCh38, 1-based): chr9:128,591,504, C>T. VCF-style: chr9-128591504-C-T. GRCh37 (hg19) VCF-style: chr9-131353783-C-T.
Other names: c.3034C>T, p.Arg1012Cys (NM_001195532.2, NM_001363759.2, NM_001363765.2 and 5 more transcripts); c.3070C>T, p.Arg1024Cys (NM_001375312.2, NM_001375318.1); short protein forms R1012C, R1024C.
Identifiers: ClinVar variation 3338617 (VCV003338617.1).